The following is an entry in ClinVar:

NM_024675.4(PALB2):c.3464C>G (p.Ser1155Cys)

Gene: PALB2 (partner and localizer of BRCA2; minus strand). Cytogenetic location: 16p12.2.
Variant type: single nucleotide variant.
Coding change: c.3464C>G on transcript NM_024675.4 (MANE Select); coding-DNA position 3464, C replaced by G.
Protein change: p.Ser1155Cys; replaces serine 1155 with cysteine.
Molecular consequence: missense variant.
Genome position (GRCh38, 1-based): chr16:23,603,556, G>C on the plus strand (C>G on the coding strand, the complement: PALB2 is on the minus strand). VCF-style: chr16-23603556-G-C. GRCh37 (hg19) VCF-style: chr16-23614877-G-C.
Other names: short protein forms S1155C.
Identifiers: ClinVar variation 402308 (VCV000402308.26), dbSNP rs755609496, ClinGen allele CA7963332.

ClinVar aggregate classification (germline): Conflicting classifications of pathogenicity. Review status: criteria provided, conflicting classifications (1 of 4 stars). 5 submissions from 5 submitters: Uncertain significance (4); Likely benign (1). Last evaluated 2025-11-04.

Conditions:
Hereditary cancer-predisposing syndrome. Also called: Neoplastic Syndromes, Hereditary; Hereditary Cancer Syndrome; Tumor predisposition; Hereditary neoplastic syndrome. Identifiers: Orphanet 140162, MedGen C0027672, MeSH D009386, MONDO:0015356.
Familial cancer of breast. Also called: BREAST CANCER, FAMILIAL; Hereditary breast cancer; hereditary breast carcinoma. Identifiers: Orphanet 227535, MedGen C0346153, MONDO:0016419, OMIM 114480. Disease mechanism: loss of function.

Allele frequency attached by ClinVar (database versions not stated): gnomAD exomes 0.00001 and 0.00003; TOPMed 0.00001; ExAC 0.00004.
gnomAD v4.1: 20 of 1,614,154 alleles (0.0012%); highest among the groups gnomAD compares: South Asian, 0.021%; no homozygotes.

Submissions (5):

Labcorp Genetics (formerly Invitae), Labcorp
Classification: Uncertain significance for Familial cancer of breast. Last evaluated: 2025-11-04. Review status: criteria provided, single submitter. Criteria: Invitae Variant Classification Sherloc (09022015). Collection method: clinical testing. Allele origin: germline.
Comment: This sequence change replaces serine, which is neutral and polar, with cysteine, which is neutral and slightly polar, at codon 1155 of the PALB2 protein (p.Ser1155Cys). This variant is present in population databases (rs755609496, gnomAD 0.03%). This variant has not been reported in the literature in individuals affected with PALB2-related conditions. ClinVar contains an entry for this variant (Variation ID: 402308). An algorithm developed to predict the effect of missense changes on protein structure and function (PolyPhen-2) suggests that this variant is likely to be disruptive. In summary, the available evidence is currently insufficient to determine the role of this variant in disease. Therefore, it has been classified as a Variant of Uncertain Significance.

Quest Diagnostics Nichols Institute San Juan Capistrano
Classification: Uncertain significance. Last evaluated: 2025-03-31. Review status: criteria provided, single submitter. Criteria: Quest Diagnostics criteria. Collection method: clinical testing. Allele origin: unknown.
Comment: The PALB2 c.3464C>G (p.Ser1155Cys) variant has been reported in the published literature in an individual with bilateral Wilms tumor (PMID: 38110397 (2023)) and seen along with a BRCA2 mobile element insertion, c.7666_7667insSVA in an individual with breast cancer (PMID: 32884827 (2020)). The frequency of this variant in the general population (Genome Aggregation Database) is uninformative in the assessment of its pathogenicity. Analysis of this variant using bioinformatics tools for the prediction of the effect of amino acid changes on protein structure and function yielded conflicting predictions that this variant is benign or damaging. Based on the available information, we are unable to determine the clinical significance of this variant.

GeneDx
Classification: Uncertain significance. Last evaluated: 2025-01-07. Review status: criteria provided, single submitter. Criteria: GeneDx Variant Classification Process June 2021. Collection method: clinical testing. Allele origin: germline. Affected: yes.
Comment: In silico analysis supports that this missense variant has a deleterious effect on protein structure/function; This variant is associated with the following publications: (PMID: 36993649, 24686850, 19609323, 24485656, 20871615, 32884827, 38110397)

Color Diagnostics, LLC DBA Color Health
Classification: Uncertain significance for Hereditary cancer-predisposing syndrome. Last evaluated: 2022-05-31. Review status: criteria provided, single submitter. Criteria: ACMG Guidelines, 2015. Collection method: clinical testing. Allele origin: germline.
Comment: This missense variant replaces serine with cysteine at codon 1155 of the PALB2 protein. Computational prediction suggests that this variant may not impact protein structure and function (internally defined REVEL score threshold <= 0.5, PMID: 27666373). To our knowledge, functional studies have not been reported for this variant. This variant has been reported in an individual affected with breast cancer, who has a BRCA2 mobile element insertion, c.7666_7667insSVA, that is suspected to be the causal variant (PMID: 32884827). This variant has been identified in 8/251474 chromosomes in the general population by the Genome Aggregation Database (gnomAD). The available evidence is insufficient to determine the role of this variant in disease conclusively. Therefore, this variant is classified as a Variant of Uncertain Significance.

Ambry Genetics
Classification: Likely benign for Hereditary cancer-predisposing syndrome. Last evaluated: 2022-02-10. Review status: criteria provided, single submitter. Criteria: Ambry Variant Classification Scheme 2023. Collection method: clinical testing. Allele origin: germline.

Literature cited by the submitters: PubMed 32884827 (cited by 3 submitters); PubMed 38110397 (cited by Quest Diagnostics Nichols Institute San Juan Capistrano).